The following is an entry in ClinVar:

NM_001540.5(HSPB1):c.172del (p.Leu58fs)

Gene: HSPB1 (heat shock protein family B (small) member 1; plus strand). Cytogenetic location: 7q11.23.
Variant type: Deletion.
Coding change: c.172del on transcript NM_001540.5 (MANE Select); coding-DNA position 172, one base deleted (C; older notation c.172delC).
Protein change: p.Leu58fs; shifts the reading frame from leucine 58.
Molecular consequence: frameshift variant.
Genome position (GRCh38, 1-based): chr7:76,302,884, C deleted; the last of 5 consecutive C bases (chr7:76,302,880-76,302,884); deleting any one gives the same sequence. VCF-style (leftmost placement, unchanged base first): chr7-76302879-GC-G. GRCh37 (hg19) VCF-style: chr7-75932196-GC-G.
Other names: short protein forms L58fs.
Identifiers: ClinVar variation 844705 (VCV000844705.31), dbSNP rs768456339, ClinGen allele CA842326136.

ClinVar aggregate classification (germline): Conflicting classifications of pathogenicity. Review status: criteria provided, conflicting classifications (1 of 4 stars). 2 submissions from 2 submitters: Pathogenic (1); Uncertain significance (1). Last evaluated 2024-07-01.

Conditions:
Charcot-Marie-Tooth disease axonal type 2F (CMT2F). Also called: Charcot-Marie-Tooth Neuropathy Type 2F; CHARCOT-MARIE-TOOTH DISEASE, NEURONAL, TYPE 2F. Identifiers: Orphanet 99940, MedGen C1847823, MONDO:0011687, OMIM 606595.
Charcot-Marie-Tooth disease dominant intermediate C (CMTDIC). Also called: CHARCOT-MARIE-TOOTH NEUROPATHY, DOMINANT INTERMEDIATE C. Identifiers: Orphanet 100045, MedGen C1842237, MONDO:0012012, OMIM 608323.

Submissions (2):

Labcorp Genetics (formerly Invitae), Labcorp
Classification: Uncertain significance for Charcot-Marie-Tooth disease axonal type 2F. Last evaluated: 2024-07-01. Review status: criteria provided, single submitter. Criteria: Invitae Variant Classification Sherloc (09022015). Collection method: clinical testing. Allele origin: germline.
Comment: This sequence change creates a premature translational stop signal (p.Leu58Cysfs*52) in the HSPB1 gene. It is expected to result in an absent or disrupted protein product. However, the current clinical and genetic evidence is not sufficient to establish whether loss-of-function variants in HSPB1 cause disease. This variant is not present in population databases (gnomAD no frequency). This variant has not been reported in the literature in individuals affected with HSPB1-related conditions. ClinVar contains an entry for this variant (Variation ID: 844705). In summary, the available evidence is currently insufficient to determine the role of this variant in disease. Therefore, it has been classified as a Variant of Uncertain Significance.

CeGaT Center for Human Genetics Tuebingen
Classification: Pathogenic. Last evaluated: 2023-12-01. Review status: criteria provided, single submitter. Criteria: CeGaT Center For Human Genetics Tuebingen Variant Classification Criteria Version 2. Collection method: clinical testing. Allele origin: germline. Affected: yes. Observed: 1 variant allele.
Comment: HSPB1: PVS1, PM2